The following is an entry in ClinVar:

ClinVar aggregate classification (germline): Pathogenic. Review status: criteria provided, multiple submitters, no conflicts (2 of 4 stars). 2 submissions from 2 submitters: Pathogenic (2). Last evaluated 2022-12-08.

Conditions:
Familial cancer of breast. Also called: BREAST CANCER, FAMILIAL; Hereditary breast cancer; hereditary breast carcinoma. Identifiers: Orphanet 227535, MedGen C0346153, MONDO:0016419, OMIM 114480. Disease mechanism: loss of function.
Ataxia-telangiectasia syndrome (AT). Also called: Cerebello-oculocutaneous telangiectasia; ATAXIA-TELANGIECTASIA, COMPLEMENTATION GROUP A; ATAXIA-TELANGIECTASIA, FRESNO VARIANT; Ataxia-telangiectasia, complementation group D; AT, COMPLEMENTATION GROUP C; Immunodeficiency with ataxia telangiectasia. Identifiers: Orphanet 100, MedGen C0004135, MONDO:0008840, OMIM 208900.

Submissions (2):

Labcorp Genetics (formerly Invitae), Labcorp
Classification: Pathogenic for Ataxia-telangiectasia syndrome. Last evaluated: 2022-12-08. Review status: criteria provided, single submitter. Criteria: Invitae Variant Classification Sherloc (09022015). Collection method: clinical testing. Allele origin: germline.
Comment: For these reasons, this variant has been classified as Pathogenic. ClinVar contains an entry for this variant (Variation ID: 1710972). This variant has not been reported in the literature in individuals affected with ATM-related conditions. This variant is not present in population databases (gnomAD no frequency). This sequence change creates a premature translational stop signal (p.Phe1877*) in the ATM gene. It is expected to result in an absent or disrupted protein product. Loss-of-function variants in ATM are known to be pathogenic (PMID: 23807571, 25614872).

St. Jude Molecular Pathology, St. Jude Children's Research Hospital
Classification: Pathogenic for Familial cancer of breast. Last evaluated: 2022-08-04. Review status: criteria provided, single submitter. Criteria: St. Jude Assertion Criteria 2020. Collection method: clinical testing. Allele origin: germline.
Comment: The ATM c.5630_5639del (p.Phe1877Ter) change is a nonsense variant that is predicted to cause protein truncation and loss of normal protein function (PVS1). This variant is absent in gnomAD v2.1.1. To our knowledge, this variant has not been reported in individuals with breast cancer or ataxia telangiectasia. However truncating variants downstream of p.Phe1877Ter have been identified in individuals with these conditions and are known to be pathogenic. In summary, this variant meets criteria to be classified as pathogenic.

Literature cited by the submitters: PubMed 23807571 (cited by Labcorp Genetics (formerly Invitae), Labcorp); PubMed 25614872 (cited by Labcorp Genetics (formerly Invitae), Labcorp).

NM_000051.4(ATM):c.5630_5639del (p.His1876_Phe1877insTer)

Gene: ATM (ATM serine/threonine kinase; plus strand). Cytogenetic location: 11q22.3.
Variant type: Deletion.
Coding change: c.5630_5639del on transcript NM_000051.4 (MANE Select); coding-DNA positions 5630 to 5639, 10 bases deleted (TCTCGCAAAC; older notation c.5630_5639delTCTCGCAAAC).
Protein change: p.His1876_Phe1877insTer.
Molecular consequence: nonsense. On other transcripts: frameshift variant (1).
Genome position (GRCh38, 1-based): chr11:108,304,808-108,304,817, TCTCGCAAAC deleted. VCF-style (leftmost placement, unchanged base first): chr11-108304807-TTCTCGCAAAC-T. GRCh37 (hg19) VCF-style: chr11-108175534-TTCTCGCAAAC-T.
Other names: c.5630_5639delTCTCGCAAAC, p.Phe1877Terfs (NM_000051.3); c.5630_5639del, p.His1876_Phe1877insTer (NM_001351834.2).
Identifiers: ClinVar variation 1710972 (VCV001710972.4), dbSNP rs2546988131, ClinGen allele CA2580083403.